The following is an entry in ClinVar:

ClinVar aggregate classification (germline): Uncertain significance (1 of 4 stars; one submission).

Conditions:
Anterior segment dysgenesis 7 (ASGD7). Also called: Anterior segment dysgenesis 7, with sclerocornea; SCLEROCORNEA WITH OTHER OCULAR ANOMALIES. Identifiers: Orphanet 289499, MedGen C3151617, MONDO:0010015, OMIM 269400.

Allele frequency attached by ClinVar (database versions not stated): TOPMed 0.00001; gnomAD 0.00002 and 0.00003; ExAC 0.00011; gnomAD exomes 0.00011; 1000 Genomes Project 30x 0.00016; 1000 Genomes Project 0.00020.
gnomAD v4.1: 82 of 1,613,970 alleles (0.0051%); highest among the groups gnomAD compares: South Asian, 0.065%; no homozygotes.

Submission:

Labcorp Genetics (formerly Invitae), Labcorp
Classification: Uncertain significance for Anterior segment dysgenesis 7. Last evaluated: 2025-04-17. Review status: criteria provided, single submitter. Criteria: Invitae Variant Classification Sherloc (09022015). Collection method: clinical testing. Allele origin: germline.
Comment: This sequence change replaces alanine, which is neutral and non-polar, with threonine, which is neutral and polar, at codon 1278 of the PXDN protein (p.Ala1278Thr). This variant is present in population databases (rs567182921, gnomAD 0.06%). This variant has not been reported in the literature in individuals affected with PXDN-related conditions. ClinVar contains an entry for this variant (Variation ID: 1361779). Invitae Evidence Modeling of protein sequence and biophysical properties (such as structural, functional, and spatial information, amino acid conservation, physicochemical variation, residue mobility, and thermodynamic stability) indicates that this missense variant is not expected to disrupt PXDN protein function with a negative predictive value of 80%. In summary, the available evidence is currently insufficient to determine the role of this variant in disease. Therefore, it has been classified as a Variant of Uncertain Significance.

NM_012293.3(PXDN):c.3832G>A (p.Ala1278Thr)

Gene: PXDN (peroxidasin; minus strand). Cytogenetic location: 2p25.3.
Variant type: single nucleotide variant.
Coding change: c.3832G>A on transcript NM_012293.3 (MANE Select); coding-DNA position 3832, G replaced by A.
Protein change: p.Ala1278Thr; replaces alanine 1278 with threonine.
Molecular consequence: missense variant.
Genome position (GRCh38, 1-based): chr2:1,643,488, C>T on the plus strand (G>A on the coding strand, the complement: PXDN is on the minus strand). VCF-style: chr2-1643488-C-T. GRCh37 (hg19) VCF-style: chr2-1647260-C-T.
Other names: short protein forms A1278T.
Identifiers: ClinVar variation 1361779 (VCV001361779.8), dbSNP rs567182921, ClinGen allele CA1512610.
Genomic context (GRCh38, chr2:1,643,488, plus strand): 5'-AGCCGTGAGGGAACTCCGCCACCCTGAACACGTCGCTCTGCACCCGGGTGATGTTGTCCG[C>T]GTTGTCGCATAGGATCCTGGCCAGCGACGTCTGCTTGATCTGAGTCAGCTGGGCCGGGGA-3'
Protein context (NP_036425.1, residues 1268-1288): TSLARILCDN[Ala1278Thr]DNITRVQSDV